The following is an entry in ClinVar:

ClinVar aggregate classification (germline): Likely benign (1 of 4 stars; one submission).

Allele frequency attached by ClinVar (database versions not stated): gnomAD exomes 0.00001 and 0.00002; ExAC 0.00002.
gnomAD v4.1: 12 of 1,614,172 alleles (0.00074%); highest among the groups gnomAD compares: East Asian, 0.0022%; no homozygotes.

Submission:

CeGaT Center for Human Genetics Tuebingen
Classification: Likely benign. Last evaluated: 2022-05-01. Review status: criteria provided, single submitter. Criteria: CeGaT Center For Human Genetics Tuebingen Variant Classification Criteria Version 2. Collection method: clinical testing. Allele origin: germline. Affected: yes. Observed: 1 variant allele.
Comment: TUBGCP2: BP4

NM_006659.4(TUBGCP2):c.2146-7C>T

Gene: TUBGCP2 (tubulin gamma complex component 2; minus strand). Cytogenetic location: 10q26.3.
Variant type: single nucleotide variant.
Coding change: c.2146-7C>T on transcript NM_006659.4 (MANE Select); 7 bases into the intron before coding-DNA position 2146, C replaced by T.
Molecular consequence: intron variant.
Genome position (GRCh38, 1-based): chr10:133,283,228, G>A on the plus strand (C>T on the coding strand, the complement: TUBGCP2 is on the minus strand). VCF-style: chr10-133283228-G-A. GRCh37 (hg19) VCF-style: chr10-135096732-G-A.
Other names: c.2230-7C>T (NM_001256617.2); c.1756-7C>T (NM_001256618.2).
Identifiers: ClinVar variation 1694575 (VCV001694575.31), dbSNP rs752657891, ClinGen allele CA5763636.